The following is an entry in ClinVar:

ClinVar aggregate classification (germline): Likely benign. Review status: criteria provided, multiple submitters, no conflicts (2 of 4 stars). 3 submissions from 3 submitters: Likely benign (2). 1 of the submissions does not count toward it. Last evaluated 2026-03-01.

Conditions:
TTC19-related disorder. Also called: TTC19-related condition.

Allele frequency attached by ClinVar (database versions not stated): ExAC 0.00001.

Submissions (3):

CeGaT Center for Human Genetics Tuebingen
Classification: Likely benign. Last evaluated: 2026-03-01. Review status: criteria provided, single submitter. Criteria: CeGaT Center For Human Genetics Tuebingen Variant Classification Criteria Version 2. Collection method: clinical testing. Allele origin: germline. Affected: yes. Observed: 1 variant allele.
Comment: TTC19: BP4, BP7

Labcorp Genetics (formerly Invitae), Labcorp
Classification: Likely benign. Last evaluated: 2024-04-05. Review status: criteria provided, single submitter. Criteria: Invitae Variant Classification Sherloc (09022015). Collection method: clinical testing. Allele origin: germline.

PreventionGenetics, part of Exact Sciences
Classification: Likely benign for TTC19-related condition. Last evaluated: 2019-08-06. Review status: no assertion criteria provided. Collection method: clinical testing. Allele origin: germline. Not counted in ClinVar's aggregate classification.
Comment: This variant is classified as likely benign based on ACMG/AMP sequence variant interpretation guidelines (Richards et al. 2015 PMID: 25741868, with internal and published modifications).

NM_017775.4(TTC19):c.273G>A (p.Glu91=)

Gene: TTC19 (tetratricopeptide repeat domain 19; plus strand). Cytogenetic location: 17p12.
Variant type: single nucleotide variant.
Coding change: c.273G>A on transcript NM_017775.4 (MANE Select); coding-DNA position 273, G replaced by A.
Protein change: p.Glu91=; no amino-acid change (glutamic acid 91 retained).
Molecular consequence: synonymous variant. On other transcripts: 5 prime UTR variant (1).
Genome position (GRCh38, 1-based): chr17:16,000,206, G>A. VCF-style: chr17-16000206-G-A. GRCh37 (hg19) VCF-style: chr17-15903520-G-A.
Other names: c.-186G>A (NM_001271420.2).
Identifiers: ClinVar variation 3035375 (VCV003035375.8), dbSNP rs779553019, ClinGen allele CA8407272.
Genomic context (GRCh38, chr17:16,000,206, plus strand): 5'-GGCAGAGGAGGAGGAGCAGCAGGGAGCCGACGGGGCCGCTGCCGAGGACGGGGCGGACGA[G>A]GCCGAGGCAGAGATCATCCAGCTGCTGAAGCGAGCCAAGGTGAGGCGGCTCCGGGCCCTG-3'
Protein context (NP_060245.3, residues 81-101): DGAAAEDGAD[Glu91=]AEAEIIQLLK